The following is an entry in ClinVar:

NM_006210.3(PEG3):c.4083T>C (p.Asp1361=)

Genes: PEG3 (paternally expressed 3; minus strand), ZIM2 (zinc finger imprinted 2; minus strand). Cytogenetic location: 19q13.43.
Variant type: single nucleotide variant.
Coding change: c.4083T>C on transcript NM_006210.3 (MANE Select); coding-DNA position 4083, T replaced by C.
Protein change: p.Asp1361=; no amino-acid change (aspartic acid 1361 retained).
Molecular consequence: synonymous variant. On other transcripts: intron variant (11).
Genome position (GRCh38, 1-based): chr19:56,814,359, A>G on the plus strand (T>C on the coding strand, the complement: PEG3 is on the minus strand). VCF-style: chr19-56814359-A-G. GRCh37 (hg19) VCF-style: chr19-57325727-A-G.
Other names: c.4083T>C, p.Asp1361= (NM_001146184.2); c.3705T>C, p.Asp1235= (NM_001146185.2); c.3711T>C, p.Asp1237= (NM_001146187.2, NM_001369720.1, NM_001369721.1 and 13 more transcripts); c.4089T>C, p.Asp1363= (NM_001369717.1, NM_001369718.1); c.3996T>C, p.Asp1332= (NM_001369719.1); c.3618T>C, p.Asp1206= (NM_001369734.1, NM_001369735.1, NM_001369736.1 and 2 more transcripts); c.397+4241T>C (NM_015363.5, NM_001387358.1, NM_001146326.2 and 5 more transcripts); c.490+3387T>C (NM_001369774.1, NM_001369773.1, NM_001387356.1).
Identifiers: ClinVar variation 735082 (VCV000735082.28), dbSNP rs145005818, ClinGen allele CA9693132.

ClinVar aggregate classification (germline): Benign/Likely benign. Review status: criteria provided, multiple submitters, no conflicts (2 of 4 stars). 2 submissions from 2 submitters: Benign (1); Likely benign (1). Last evaluated 2022-04-01.

Allele frequency attached by ClinVar (database versions not stated): 1000 Genomes Project 0.00040; TOPMed 0.00175; ESP Exome Variant Server 0.00254; gnomAD 0.00258.
gnomAD v4.1: 4,547 of 1,613,178 alleles (0.28%); highest among the groups gnomAD compares: South Asian, 0.48%; 19 homozygotes.

Submissions (2):

CeGaT Center for Human Genetics Tuebingen
Classification: Likely benign. Last evaluated: 2022-04-01. Review status: criteria provided, single submitter. Criteria: CeGaT Center For Human Genetics Tuebingen Variant Classification Criteria Version 2. Collection method: clinical testing. Allele origin: germline. Affected: yes. Observed: 1 variant allele.
Comment: PEG3: BP4, BP7

Labcorp Genetics (formerly Invitae), Labcorp
Classification: Benign. Last evaluated: 2019-12-31. Review status: criteria provided, single submitter. Criteria: Invitae Variant Classification Sherloc (09022015). Collection method: clinical testing. Allele origin: germline.